The following is an entry in ClinVar:

NM_007194.4(CHEK2):c.582C>T (p.Ser194=)

Gene: CHEK2 (checkpoint kinase 2; minus strand). Cytogenetic location: 22q12.1.
Variant type: single nucleotide variant.
Coding change: c.582C>T on transcript NM_007194.4 (MANE Select); coding-DNA position 582, C replaced by T.
Protein change: p.Ser194=; no amino-acid change (serine 194 retained).
Molecular consequence: synonymous variant. On other transcripts: 5 prime UTR variant (2), intron variant (1).
Genome position (GRCh38, 1-based): chr22:28,724,987, G>A on the plus strand (C>T on the coding strand, the complement: CHEK2 is on the minus strand). VCF-style: chr22-28724987-G-A. GRCh37 (hg19) VCF-style: chr22-29120975-G-A.
Other names: c.711C>T, p.Ser237= (NM_001005735.3, NM_001438294.1); c.-196C>T (NM_001257387.3); c.-82C>T (NM_001437942.1); c.675C>T, p.Ser225= (NM_001438293.1, NM_001438295.1); c.582C>T, p.Ser194= (NM_145862.3); c.445-64C>T (NM_001349956.3).
Identifiers: ClinVar variation 240747 (VCV000240747.13), dbSNP rs761126328, ClinGen allele CA10167977.

ClinVar aggregate classification (germline): Benign/Likely benign. Review status: criteria provided, multiple submitters, no conflicts (2 of 4 stars). 5 submissions from 5 submitters: Benign (1); Likely benign (4). Last evaluated 2025-04-03.

Conditions:
Hereditary cancer-predisposing syndrome. Also called: Tumor predisposition; Neoplastic Syndromes, Hereditary; Hereditary Cancer Syndrome; Hereditary neoplastic syndrome. Identifiers: Orphanet 140162, MedGen C0027672, MeSH D009386, MONDO:0015356.
Familial cancer of breast. Also called: Hereditary breast cancer; BREAST CANCER, FAMILIAL; hereditary breast carcinoma. Identifiers: Orphanet 227535, MedGen C0346153, MONDO:0016419, OMIM 114480. Disease mechanism: loss of function.

Allele frequency attached by ClinVar (database versions not stated): gnomAD below 0.00001 and 0.00001; TOPMed below 0.00001; gnomAD exomes 0.00001 and 0.00002; ExAC 0.00002.
gnomAD v4.1: 10 of 1,613,768 alleles (0.00062%); highest among the groups gnomAD compares: South Asian, 0.0088%; no homozygotes.

Submissions (5):

Labcorp Genetics (formerly Invitae), Labcorp
Classification: Likely benign for Familial cancer of breast. Last evaluated: 2025-04-03. Review status: criteria provided, single submitter. Criteria: Invitae Variant Classification Sherloc (09022015). Collection method: clinical testing. Allele origin: germline.

Myriad Genetics, Inc.
Classification: Benign for Familial cancer of breast. Last evaluated: 2024-10-02. Review status: criteria provided, single submitter. Criteria: Myriad Autosomal Dominant, Autosomal Recessive and X-Linked Classification Criteria (2023). Collection method: clinical testing. Allele origin: unknown.
Comment: This variant is considered benign. This variant is a silent/synonymous amino acid change and it is not expected to impact splicing.

Women's Health and Genetics/Laboratory Corporation of America, LabCorp
Classification: Likely benign. Last evaluated: 2023-07-17. Review status: criteria provided, single submitter. Criteria: LabCorp Variant Classification Summary - May 2015. Collection method: clinical testing. Allele origin: germline.

Ambry Genetics
Classification: Likely benign for Hereditary cancer-predisposing syndrome. Last evaluated: 2020-09-16. Review status: criteria provided, single submitter. Criteria: Ambry Variant Classification Scheme 2023. Collection method: clinical testing. Allele origin: germline.

GeneDx
Classification: Likely benign. Last evaluated: 2016-04-15. Review status: criteria provided, single submitter. Criteria: GeneDx Variant Classification (06012015). Collection method: clinical testing. Allele origin: germline. Affected: yes.
Comment: This variant is considered likely benign or benign based on one or more of the following criteria: it is a conservative change, it occurs at a poorly conserved position in the protein, it is predicted to be benign by multiple in silico algorithms, and/or has population frequency not consistent with disease.